The following is an entry in ClinVar:

NM_001136157.2(OTUD5):c.108G>C (p.Val36=)

Gene: OTUD5 (OTU deubiquitinase 5; minus strand). Cytogenetic location: Xp11.23.
Variant type: single nucleotide variant.
Coding change: c.108G>C on transcript NM_001136157.2 (MANE Select); coding-DNA position 108, G replaced by C.
Protein change: p.Val36=; no amino-acid change (valine 36 retained).
Molecular consequence: synonymous variant. On other transcripts: intron variant (1).
Genome position (GRCh38, 1-based): chrX:48,957,463, C>G on the plus strand (G>C on the coding strand, the complement: OTUD5 is on the minus strand). VCF-style: chrX-48957463-C-G. GRCh37 (hg19) VCF-style: chrX-48814725-C-G.
Other names: c.108G>C, p.Val36= (NM_001136158.2, NM_017602.4); c.-58+769G>C (NM_001136159.2).
Identifiers: ClinVar variation 3352412 (VCV003352412.1).
Genomic context (GRCh38, chrX:48,957,463, plus strand): 5'-GACGCCGGAGTCACGGTCGCGATCGCCGCCGCCCACGCCCGTGCCGCCGCCGCCCACGCC[C>G]ACACCTCCGCCGCGCCGCGGCGCCGGGGGCATCGGCCCGGGCGGCGGCGGCTCGTTGGCG-3'
Protein context (NP_001129629.1, residues 26-46): MPPAPRRGGG[Val36=]GVGGGGTGVG

ClinVar aggregate classification (germline): Likely benign (0 of 4 stars; one submission).

Conditions:
OTUD5-related disorder. Also called: OTUD5-related condition.

Submission:

PreventionGenetics, part of Exact Sciences
Classification: Likely benign for OTUD5-related condition. Last evaluated: 2024-05-08. Review status: no assertion criteria provided. Collection method: clinical testing. Allele origin: germline.
Comment: This variant is classified as likely benign based on ACMG/AMP sequence variant interpretation guidelines (Richards et al. 2015 PMID: 25741868, with internal and published modifications).